The following is an entry in ClinVar:

NM_001386140.1(MTTP):c.775A>T (p.Lys259Ter)

Gene: MTTP (microsomal triglyceride transfer protein; plus strand). Cytogenetic location: 4q23.
Variant type: single nucleotide variant.
Coding change: c.775A>T on transcript NM_001386140.1 (MANE Select); coding-DNA position 775, A replaced by T.
Protein change: p.Lys259Ter; replaces lysine 259 with a stop codon.
Molecular consequence: nonsense.
Genome position (GRCh38, 1-based): chr4:99,594,749, A>T. VCF-style: chr4-99594749-A-T. GRCh37 (hg19) VCF-style: chr4-100515906-A-T.
Other names: c.775A>T, p.Lys259Ter (NM_000253.4); c.526A>T, p.Lys176Ter (NM_001300785.2); short protein forms K176*, K259*.
Identifiers: ClinVar variation 983692 (VCV000983692.3), dbSNP rs1283854712, ClinGen allele CA357505676.

ClinVar aggregate classification (germline): Likely pathogenic (1 of 4 stars; one submission).

Conditions:
Abetalipoproteinaemia (ABL). Also called: Abetalipoproteinemia; Abetalipoproteinemia neuropathy; Apolipoprotein B deficiency; Congenital betalipoprotein deficiency syndrome; MTP DEFICIENCY. Identifiers: Orphanet 14, MedGen C0000744, MONDO:0008692, OMIM 200100, HP:0008181.

Submission:

Myriad Genetics, Inc.
Classification: Likely pathogenic for Abetalipoproteinaemia. Last evaluated: 2020-01-04. Review status: criteria provided, single submitter. Criteria: Myriad Women's Health Autosomal Recessive and X-Linked Classification Criteria (2019). Collection method: clinical testing. Allele origin: unknown.
Comment: NM_000253.2(MTTP):c.775A>T(K259*) is expected to be pathogenic in the context of abetalipoproteinemia. This variant is predicted to lead to an abnormal or absent protein product due to the creation of a premature termination codon in MTTP, a gene where loss-of-function variants are known to be pathogenic. Please note: this variant was assessed in the context of healthy population screening.